The following is an entry in ClinVar:

NM_001377265.1(MAPT):c.2179G>A (p.Gly727Ser)

Gene: MAPT (microtubule associated protein tau). Cytogenetic location: 17q21.31.
Variant type: single nucleotide variant.
Coding change: c.2179G>A on transcript NM_001377265.1 (MANE Select); coding-DNA position 2179, G replaced by A.
Protein change: p.Gly727Ser; replaces glycine 727 with serine.
Molecular consequence: missense variant. On other transcripts: non-coding transcript variant (1), intron variant (1).
Genome position (GRCh38, 1-based): chr17:46,018,623, G>A. VCF-style: chr17-46018623-G-A. GRCh37 (hg19) VCF-style: chr17-44095989-G-A.
Other names: c.2008G>A, p.Gly670Ser (NM_001123066.4); c.916G>A, p.Gly306Ser (NM_001123067.4); c.823G>A, p.Gly275Ser (NM_001203251.2); c.910G>A, p.Gly304Ser (NM_001203252.2); c.1888G>A, p.Gly630Ser (NM_001377266.1); c.736G>A, p.Gly246Ser (NM_001377268.1, NM_016841.5); c.1003G>A, p.Gly335Ser (NM_005910.6); c.829G>A, p.Gly277Ser (NM_016834.5); and 2 more; short protein forms G652S, G246S, G277S, G275S, G304S, G306S, G670S, G335S.
Identifiers: ClinVar variation 98228 (VCV000098228.5), dbSNP rs63750095, ClinGen allele CA225477.
Genomic context (GRCh38, chr17:46,018,623, plus strand): 5'-TCCACAGAACCACAGAAGATGATGGCAAGATGCTCTTGTGTGTGTTGTGTTCTAGGAGGT[G>A]GCCAGGTGGAAGTAAAATCTGAGAAGCTTGACTTCAAGGACAGAGTCCAGTCGAAGATTG-3'
Protein context (NP_001364194.1, residues 717-737): LGNIHHKPGG[Gly727Ser]QVEVKSEKLD

ClinVar aggregate classification (germline): Pathogenic/Likely pathogenic. Review status: criteria provided, multiple submitters, no conflicts (2 of 4 stars). 3 submissions from 3 submitters: Pathogenic (1); Likely pathogenic (1). 1 of the submissions does not count toward it. Last evaluated 2024-02-01.

Conditions:
Frontotemporal dementia (FTD1). Also called: Frontotemporal Dementia with Parkinsonism-17 (FTDP-17); FRONTOTEMPORAL DEMENTIA WITH PARKINSONISM; FRONTOTEMPORAL LOBE DEMENTIA; MULTIPLE SYSTEM TAUOPATHY WITH PRESENILE DEMENTIA; Dementia, frontotemporal, with or without parkinsonism; WILHELMSEN-LYNCH DISEASE. Identifiers: Orphanet 282, MedGen C0338451, MONDO:0017276, OMIM 600274, HP:0002145.

Submissions (3):

Labcorp Genetics (formerly Invitae), Labcorp
Classification: Likely pathogenic for Frontotemporal dementia. Last evaluated: 2024-02-01. Review status: criteria provided, single submitter. Criteria: Invitae Variant Classification Sherloc (09022015). Collection method: clinical testing. Allele origin: germline.
Comment: This sequence change replaces glycine, which is neutral and non-polar, with serine, which is neutral and polar, at codon 335 of the MAPT protein (p.Gly335Ser). This variant is not present in population databases (gnomAD no frequency). This missense change has been observed in individuals with clinical features of early-onset frontotemporal dementia (PMID: 17186252, 23047372; Invitae). ClinVar contains an entry for this variant (Variation ID: 98228). Advanced modeling of protein sequence and biophysical properties (such as structural, functional, and spatial information, amino acid conservation, physicochemical variation, residue mobility, and thermodynamic stability) performed at Invitae indicates that this missense variant is expected to disrupt MAPT protein function with a positive predictive value of 80%. Experimental studies have shown that this missense change affects MAPT function (PMID: 17186252). This variant disrupts the p.Gly335Val amino acid residue in MAPT. Other variant(s) that disrupt this residue have been determined to be pathogenic (PMID: 15765246). This suggests that this residue is clinically significant, and that variants that disrupt this residue are likely to be disease-causing. In summary, the currently available evidence indicates that the variant is pathogenic, but additional data are needed to prove that conclusively. Therefore, this variant has been classified as Likely Pathogenic.

Human Genome Lab, NIMHANS, National Institute of Mental Health and Neuro Sciences
Classification: Pathogenic for Frontotemporal dementia. Review status: criteria provided, single submitter. Criteria: ACMG Guidelines, 2015. Collection method: clinical testing. Allele origin: germline. Inheritance: Autosomal dominant inheritance. Affected: yes. Observed: 1 heterozygote.
Comment: The missense variant NM_001377265.1(MAPT):c.2179G>A (p.Gly727Ser) causes the same amino acid change as a previously established pathogenic variant. The p.Gly727Ser variant is novel (not in any individuals) in 1kG All. The p.Gly727Ser variant is novel (not in any individuals) in gnomAD (PM2). The p.Gly727Ser variant is a missense mutation resulting in an amino acid change which is shared by the previously classified pathogenic variant p.G727S (PS1). There is a small physicochemical difference between glycine and serine, which is not likely to impact secondary protein structure as these residues share similar properties. The gene MAPT has a low rate of benign missense variation as indicated by a high missense variants Z-Score of 2.48. The gene MAPT contains 17 pathogenic missense variants, indicating that missense variants are a common mechanism of disease in this gene (PP2). 3 variants within 6 amino acid positions of the variant p.Gly727Ser have been shown to be pathogenic, while none have been shown to be benign (PM1). The p.Gly727Ser missense variant is predicted to be damaging by both SIFT and PolyPhen2. Alpha Missense also classifies this variant as pathogenic. The glycine residue at codon 727 of MAPT is conserved in all mammalian species. The nucleotide c.2179 in MAPT is predicted conserved by GERP++ and PhyloP across 100 vertebrates (PP3). For these reasons, this variant has been classified as Pathogenic. ACMG Criteria - PM2 PM1 PP2 PP3 PS1

VIB  Department of Molecular Genetics, University of Antwerp
No classification provided. Review status: no classification provided. Collection method: not provided. Allele origin: not provided. Not counted in ClinVar's aggregate classification.

Literature cited by the submitters: PubMed 17186252 (cited by Labcorp Genetics (formerly Invitae), Labcorp); PubMed 23047372 (cited by Labcorp Genetics (formerly Invitae), Labcorp); PubMed 15765246 (cited by Labcorp Genetics (formerly Invitae), Labcorp).